The following is an entry in ClinVar:

NM_015275.3(WASHC4):c.1786C>T (p.Arg596Ter)

Gene: WASHC4 (WASH complex subunit 4; plus strand). Cytogenetic location: 12q23.3.
Variant type: single nucleotide variant.
Coding change: c.1786C>T on transcript NM_015275.3 (MANE Select); coding-DNA position 1786, C replaced by T.
Protein change: p.Arg596Ter; replaces arginine 596 with a stop codon.
Molecular consequence: nonsense.
Genome position (GRCh38, 1-based): chr12:105,141,245, C>T. VCF-style: chr12-105141245-C-T. GRCh37 (hg19) VCF-style: chr12-105535023-C-T.
Other names: c.1789C>T, p.Arg597Ter (NM_001293640.2); short protein forms R596*, R597*.
Identifiers: ClinVar variation 3376285 (VCV003376285.1).

ClinVar aggregate classification (germline): Likely pathogenic (1 of 4 stars; one submission).

Conditions:
Intellectual developmental disorder, autosomal recessive 43. Also called: Intellectual disability, autosomal recessive 43. Identifiers: Orphanet 88616, MedGen C4014386, MONDO:0014354, OMIM 615817.

gnomAD v4.1: 2 of 1,591,446 alleles (0.00013%); highest among the groups gnomAD compares: Non-Finnish European, 0.00017%; no homozygotes.

Submission:

Pittsburgh Clinical Genomics Laboratory, University of Pittsburgh Medical Center
Classification: Likely pathogenic for Intellectual developmental disorder, autosomal recessive 43. Last evaluated: 2023-02-21. Review status: criteria provided, single submitter. Criteria: ACMG Guidelines, 2015. Collection method: clinical testing. Allele origin: germline. Inheritance: Autosomal recessive inheritance. Affected: yes.
Comment: This sequence variant is a single nucleotide substitution (C>T) at coding nucleotide 1786 of the WASHC4 gene that results in the generation of an early termition codon at Arg596 of the WASHC4 protein. This variant is expected to generate a non-functiol allele through either the expression of a trucated protein or loss of WASHC4 by nonsense-mediated decay. This variant has not been previously reported to databases of clinically relevant variant (ClinVar) or observed in the literature in individuals with WASHC4-related illness to our knowledge. This variant is absent from the gnomAD population database (0 of ~250,000 alleles). Because trucating alleles have been reported in individuals with WASHC4-related illness (PMID: 31953988), we consider this variant to be likely pathogenic. ACMG Criteria: PP3

Literature cited by the submitters: PubMed 31953988.